The following is an entry in ClinVar:

ClinVar aggregate classification (germline): Likely benign. Review status: criteria provided, multiple submitters, no conflicts (2 of 4 stars). 2 submissions from 2 submitters: Likely benign (2). Last evaluated 2024-09-09.

Conditions:
Dyskeratosis congenita. Identifiers: Orphanet 1775, MedGen C0265965, MONDO:0015780.

Allele frequency attached by ClinVar (database versions not stated): gnomAD exomes 0.00004; ExAC 0.00006.
gnomAD v4.1: 61 of 1,614,080 alleles (0.0038%); highest among the groups gnomAD compares: South Asian, 0.064%; 3 homozygotes.

Submissions (2):

Labcorp Genetics (formerly Invitae), Labcorp
Classification: Likely benign for Dyskeratosis congenita. Last evaluated: 2024-09-09. Review status: criteria provided, single submitter. Criteria: Invitae Variant Classification Sherloc (09022015). Collection method: clinical testing. Allele origin: germline.

CeGaT Center for Human Genetics Tuebingen
Classification: Likely benign. Last evaluated: 2024-05-01. Review status: criteria provided, single submitter. Criteria: CeGaT Center For Human Genetics Tuebingen Variant Classification Criteria Version 2. Collection method: clinical testing. Allele origin: germline. Affected: yes. Observed: 1 variant allele.
Comment: CTC1: BP4, BP7

NM_025099.6(CTC1):c.3510A>G (p.Pro1170=)

Gene: CTC1 (CST telomere replication complex component 1; minus strand). Cytogenetic location: 17p13.1.
Variant type: single nucleotide variant.
Coding change: c.3510A>G on transcript NM_025099.6 (MANE Select); coding-DNA position 3510, A replaced by G.
Protein change: p.Pro1170=; no amino-acid change (proline 1170 retained).
Molecular consequence: synonymous variant. On other transcripts: non-coding transcript variant (1).
Genome position (GRCh38, 1-based): chr17:8,228,507, T>C on the plus strand (A>G on the coding strand, the complement: CTC1 is on the minus strand). VCF-style: chr17-8228507-T-C. GRCh37 (hg19) VCF-style: chr17-8131825-T-C.
Other names: c.3279A>G, p.Pro1093= (NM_001411067.1).
Identifiers: ClinVar variation 3239313 (VCV003239313.21), dbSNP rs766968528.